The following is an entry in ClinVar:

NM_182914.3(SYNE2):c.12238A>G (p.Arg4080Gly)

Gene: SYNE2 (spectrin repeat containing nuclear envelope protein 2; plus strand). Cytogenetic location: 14q23.2.
Variant type: single nucleotide variant.
Coding change: c.12238A>G on transcript NM_182914.3 (MANE Select); coding-DNA position 12238, A replaced by G.
Protein change: p.Arg4080Gly; replaces arginine 4080 with glycine.
Molecular consequence: missense variant.
Genome position (GRCh38, 1-based): chr14:64,098,078, A>G. VCF-style: chr14-64098078-A-G. GRCh37 (hg19) VCF-style: chr14-64564796-A-G.
Other names: c.12238A>G, p.Arg4080Gly (NM_015180.6); short protein forms R4080G.
Identifiers: ClinVar variation 655605 (VCV000655605.12), dbSNP rs769301000, ClinGen allele CA7222048.

ClinVar aggregate classification (germline): Uncertain significance. Review status: criteria provided, multiple submitters, no conflicts (2 of 4 stars). 3 submissions from 3 submitters: Uncertain significance (3). Last evaluated 2026-01-07.

Conditions:
Emery-Dreifuss muscular dystrophy 5, autosomal dominant (EDMD5). Also called: EMERY-DREIFUSS MUSCULAR DYSTROPHY 5. Identifiers: Orphanet 261, MedGen C2751805, MONDO:0013072, OMIM 612999.

Allele frequency attached by ClinVar (database versions not stated): gnomAD exomes 0.00003 and 0.00005; TOPMed 0.00003; gnomAD 0.00004 and 0.00003; ExAC 0.00002.
gnomAD v4.1: 23 of 1,614,092 alleles (0.0014%); highest among the groups gnomAD compares: Admixed American, 0.028%; no homozygotes.

Submissions (3):

Labcorp Genetics (formerly Invitae), Labcorp
Classification: Uncertain significance for Emery-Dreifuss muscular dystrophy 5, autosomal dominant. Last evaluated: 2026-01-07. Review status: criteria provided, single submitter. Criteria: Invitae Variant Classification Sherloc (09022015). Collection method: clinical testing. Allele origin: germline.
Comment: This sequence change replaces arginine, which is basic and polar, with glycine, which is neutral and non-polar, at codon 4080 of the SYNE2 protein (p.Arg4080Gly). This variant is present in population databases (rs769301000, gnomAD 0.03%). This variant has not been reported in the literature in individuals affected with SYNE2-related conditions. ClinVar contains an entry for this variant (Variation ID: 655605). An algorithm developed to predict the effect of missense changes on protein structure and function outputs the following: PolyPhen-2: "Benign". The glycine amino acid residue is found in multiple mammalian species, which suggests that this missense change does not adversely affect protein function. In summary, the available evidence is currently insufficient to determine the role of this variant in disease. Therefore, it has been classified as a Variant of Uncertain Significance.

Ambry Genetics
Classification: Uncertain significance. Last evaluated: 2025-11-20. Review status: criteria provided, single submitter. Criteria: Ambry Variant Classification Scheme 2023. Collection method: clinical testing. Allele origin: germline.

Revvity Omics, Revvity
Classification: Uncertain significance for Emery-Dreifuss muscular dystrophy 5, autosomal dominant. Last evaluated: 2024-01-18. Review status: criteria provided, single submitter. Criteria: ACMG Guidelines, 2015. Collection method: clinical testing. Allele origin: germline.